The following is an entry in ClinVar:

ClinVar aggregate classification (germline): Conflicting classifications of pathogenicity. Review status: criteria provided, conflicting classifications (1 of 4 stars). 5 submissions from 5 submitters: Uncertain significance (3); Likely benign (1). 1 of the submissions does not count toward it. Last evaluated 2025-08-11.

Conditions:
Cardiovascular phenotype. Identifiers: MedGen CN230736.
Alstrom syndrome (ALMS). Identifiers: Orphanet 64, MedGen C0268425, MONDO:0008763, OMIM 203800.

Allele frequency attached by ClinVar (database versions not stated): gnomAD 0.00003 and 0.00004; TOPMed 0.00003; ExAC 0.00004; gnomAD exomes 0.00004.
gnomAD v4.1: 34 of 1,613,740 alleles (0.0021%); highest among the groups gnomAD compares: Non-Finnish European, 0.0026%; 1 homozygote.

Submissions (5):

Ambry Genetics
Classification: Likely benign for Cardiovascular phenotype. Last evaluated: 2025-08-11. Review status: criteria provided, single submitter. Criteria: Ambry Variant Classification Scheme 2023. Collection method: clinical testing. Allele origin: germline.

GeneDx
Classification: Uncertain significance. Last evaluated: 2024-07-24. Review status: criteria provided, single submitter. Criteria: GeneDx Variant Classification Process June 2021. Collection method: clinical testing. Allele origin: germline. Affected: yes.
Comment: In silico analysis indicates that this missense variant does not alter protein structure/function; This variant is associated with the following publications: (PMID: 36484990)

Labcorp Genetics (formerly Invitae), Labcorp
Classification: Uncertain significance for Alstrom syndrome. Last evaluated: 2022-09-13. Review status: criteria provided, single submitter. Criteria: Invitae Variant Classification Sherloc (09022015). Collection method: clinical testing. Allele origin: germline.
Comment: This sequence change replaces threonine, which is neutral and polar, with methionine, which is neutral and non-polar, at codon 180 of the ALMS1 protein (p.Thr180Met). This variant is present in population databases (rs768531502, gnomAD 0.03%). This variant has not been reported in the literature in individuals affected with ALMS1-related conditions. ClinVar contains an entry for this variant (Variation ID: 550293). Experimental studies and prediction algorithms are not available or were not evaluated, and the functional significance of this variant is currently unknown. In summary, the available evidence is currently insufficient to determine the role of this variant in disease. Therefore, it has been classified as a Variant of Uncertain Significance.

Fulgent Genetics
Classification: Uncertain significance for Alstrom syndrome. Last evaluated: 2022-04-14. Review status: criteria provided, single submitter. Criteria: ACMG Guidelines, 2015. Collection method: clinical testing. Allele origin: unknown.

Counsyl
Classification: Uncertain significance for Alstrom syndrome. Last evaluated: 2016-12-28. Review status: no assertion criteria provided. Collection method: clinical testing. Allele origin: unknown. Not counted in ClinVar's aggregate classification.

NM_001378454.1(ALMS1):c.536C>T (p.Thr179Met)

Gene: ALMS1 (ALMS1 centrosome and basal body associated protein; plus strand). Cytogenetic location: 2p13.1.
Variant type: single nucleotide variant.
Coding change: c.536C>T on transcript NM_001378454.1 (MANE Select); coding-DNA position 536, C replaced by T.
Protein change: p.Thr179Met; replaces threonine 179 with methionine.
Molecular consequence: missense variant.
Genome position (GRCh38, 1-based): chr2:73,419,208, C>T. VCF-style: chr2-73419208-C-T. GRCh37 (hg19) VCF-style: chr2-73646336-C-T.
Other names: c.539C>T, p.Thr180Met (NM_015120.4); short protein forms T180M, T179M.
Identifiers: ClinVar variation 550293 (VCV000550293.11), dbSNP rs768531502, ClinGen allele CA1712877.